The following is an entry in ClinVar:

NM_002480.3(PPP1R12A):c.3046G>A (p.Asp1016Asn)

Genes: PPP1R12A (protein phosphatase 1 regulatory subunit 12A; minus strand), PPP1R12A-AS2 (PPP1R12A antisense RNA 2; plus strand). Cytogenetic location: 12q21.2.
Variant type: single nucleotide variant.
Coding change: c.3046G>A on transcript NM_002480.3 (MANE Select); coding-DNA position 3046, G replaced by A.
Protein change: p.Asp1016Asn; replaces aspartic acid 1016 with asparagine.
Molecular consequence: missense variant.
Genome position (GRCh38, 1-based): chr12:79,775,976, C>T on the plus strand (G>A on the coding strand, the complement: PPP1R12A is on the minus strand). VCF-style: chr12-79775976-C-T. GRCh37 (hg19) VCF-style: chr12-80169756-C-T.
Other names: c.3046G>A, p.Asp1016Asn (NM_001143885.2); c.2785G>A, p.Asp929Asn (NM_001143886.2); c.2941G>A, p.Asp981Asn (NM_001244990.2); c.2878G>A, p.Asp960Asn (NM_001244992.1); short protein forms D1016N, D929N, D960N, D981N.
Identifiers: ClinVar variation 1309399 (VCV001309399.3), dbSNP rs2136954627, ClinGen allele CA385934370.

ClinVar aggregate classification (germline): Likely pathogenic (1 of 4 stars; one submission).

Submission:

GeneDx
Classification: Likely pathogenic. Last evaluated: 2024-05-23. Review status: criteria provided, single submitter. Criteria: GeneDx Variant Classification Process June 2021. Collection method: clinical testing. Allele origin: germline. Affected: yes.
Comment: Not observed at significant frequency in large population cohorts (gnomAD); In silico analysis supports that this missense variant has a deleterious effect on protein structure/function; Has not been previously published as pathogenic or benign to our knowledge